The following is an entry in ClinVar:

NM_006767.4(LZTR1):c.1734C>G (p.Asn578Lys)

Gene: LZTR1 (leucine zipper like post translational regulator 1; plus strand). Cytogenetic location: 22q11.21.
Variant type: single nucleotide variant.
Coding change: c.1734C>G on transcript NM_006767.4 (MANE Select); coding-DNA position 1734, C replaced by G.
Protein change: p.Asn578Lys; replaces asparagine 578 with lysine.
Molecular consequence: missense variant.
Genome position (GRCh38, 1-based): chr22:20,994,676, C>G. VCF-style: chr22-20994676-C-G. GRCh37 (hg19) VCF-style: chr22-21348965-C-G.
Other names: short protein forms N578K.
Identifiers: ClinVar variation 3541577 (VCV003541577.1).

ClinVar aggregate classification (germline): Uncertain significance (1 of 4 stars; one submission).

Conditions:
Hereditary cancer-predisposing syndrome. Also called: Hereditary Cancer Syndrome; Hereditary neoplastic syndrome; Tumor predisposition; Neoplastic Syndromes, Hereditary. Identifiers: Orphanet 140162, MedGen C0027672, MeSH D009386, MONDO:0015356.
Cardiovascular phenotype. Identifiers: MedGen CN230736.

Submission:

Ambry Genetics
Classification: Uncertain significance for Cardiovascular phenotype; Hereditary cancer-predisposing syndrome. Last evaluated: 2024-07-22. Review status: criteria provided, single submitter. Criteria: Ambry Variant Classification Scheme 2023. Collection method: clinical testing. Allele origin: germline.
Comment: The p.N578K variant (also known as c.1734C>G), located in coding exon 15 of the LZTR1 gene, results from a C to G substitution at nucleotide position 1734. The asparagine at codon 578 is replaced by lysine, an amino acid with similar properties. This amino acid position is highly conserved in available vertebrate species. In addition, this alteration is predicted to be tolerated by in silico analysis. Based on the available evidence, the clinical significance of this variant remains unclear.